The following is an entry in ClinVar:

ClinVar aggregate classification (germline): Pathogenic (1 of 4 stars; one submission).

Conditions:
Progressive myoclonic epilepsy type 3. Also called: EPILEPSY, PROGRESSIVE MYOCLONIC, 3, WITH OR WITHOUT INTRACELLULAR INCLUSIONS; CEROID LIPOFUSCINOSIS, NEURONAL, 14; KCTD7-Related Progressive Myoclonic Epilepsy; EPILEPSY, PROGRESSIVE MYOCLONIC, 3, WITHOUT INTRACELLULAR INCLUSIONS. Identifiers: Orphanet 263516, MedGen C2673257, MONDO:0012721, OMIM 611726.

Submission:

Labcorp Genetics (formerly Invitae), Labcorp
Classification: Pathogenic for Progressive myoclonic epilepsy type 3. Last evaluated: 2025-11-29. Review status: criteria provided, single submitter. Criteria: Invitae Variant Classification Sherloc (09022015). Collection method: clinical testing. Allele origin: germline.
Comment: This sequence change creates a premature translational stop signal (p.Ser113*) in the KCTD7 gene. It is expected to result in an absent or disrupted protein product. Loss-of-function variants in KCTD7 are known to be pathogenic (PMID: 22693283). This variant is not present in population databases (gnomAD no frequency). This variant has not been reported in the literature in individuals affected with KCTD7-related conditions. For these reasons, this variant has been classified as Pathogenic.

Literature cited by the submitters: PubMed 22693283.

NM_153033.5(KCTD7):c.338C>G (p.Ser113Ter)

Gene: KCTD7 (potassium channel tetramerization domain containing 7; plus strand). Cytogenetic location: 7q11.21.
Variant type: single nucleotide variant.
Coding change: c.338C>G on transcript NM_153033.5 (MANE Select); coding-DNA position 338, C replaced by G.
Protein change: p.Ser113Ter; replaces serine 113 with a stop codon.
Molecular consequence: nonsense.
Genome position (GRCh38, 1-based): chr7:66,638,276, C>G. VCF-style: chr7-66638276-C-G. GRCh37 (hg19) VCF-style: chr7-66103263-C-G.
Other names: c.338C>G, p.Ser113Ter (NM_001167961.2); short protein forms S113*.
Identifiers: ClinVar variation 4731709 (VCV004731709.1).